The following is an entry in ClinVar:

NM_000069.3(CACNA1S):c.4060A>C (p.Thr1354Pro)

Gene: CACNA1S (calcium voltage-gated channel subunit alpha1 S; minus strand). Cytogenetic location: 1q32.1.
Variant type: single nucleotide variant.
Coding change: c.4060A>C on transcript NM_000069.3 (MANE Select); coding-DNA position 4060, A replaced by C.
Protein change: p.Thr1354Pro; replaces threonine 1354 with proline.
Molecular consequence: missense variant.
Genome position (GRCh38, 1-based): chr1:201,051,037, T>G on the plus strand (A>C on the coding strand, the complement: CACNA1S is on the minus strand). VCF-style: chr1-201051037-T-G. GRCh37 (hg19) VCF-style: chr1-201020165-T-G.
Other names: short protein forms T1354P.
Identifiers: ClinVar variation 1943879 (VCV001943879.5), dbSNP rs145910245, ClinGen allele CA083056.

ClinVar aggregate classification (germline): Uncertain significance (1 of 4 stars; one submission).

Conditions:
Malignant hyperthermia, susceptibility to, 5 (MHS5). Also called: CACNA1S-Related Malignant Hyperthermia Susceptibility. Identifiers: Orphanet 423, MedGen C1866077, MONDO:0011163, OMIM 601887.
Hypokalemic periodic paralysis, type 1. Also called: HypoPP; Hypokalemic Periodic Paralysis Type 1 (AD). Identifiers: Orphanet 681, MedGen C3714580, MONDO:0042979, OMIM 170400.

gnomAD v4.1: 4 of 1,614,234 alleles (0.00025%); highest among the groups gnomAD compares: Admixed American, 0.0067%; no homozygotes.

Submission:

Labcorp Genetics (formerly Invitae), Labcorp
Classification: Uncertain significance for Hypokalemic periodic paralysis, type 1; Malignant hyperthermia, susceptibility to, 5. Last evaluated: 2021-12-27. Review status: criteria provided, single submitter. Criteria: Invitae Variant Classification Sherloc (09022015). Collection method: clinical testing. Allele origin: germline.
Comment: In summary, the available evidence is currently insufficient to determine the role of this variant in disease. Therefore, it has been classified as a Variant of Uncertain Significance. Advanced modeling of protein sequence and biophysical properties (such as structural, functional, and spatial information, amino acid conservation, physicochemical variation, residue mobility, and thermodynamic stability) performed at Invitae indicates that this missense variant is not expected to disrupt CACNA1S protein function. This variant has not been reported in the literature in individuals affected with CACNA1S-related conditions. This variant is present in population databases (rs145910245, gnomAD 0.009%). This sequence change replaces threonine, which is neutral and polar, with proline, which is neutral and non-polar, at codon 1354 of the CACNA1S protein (p.Thr1354Pro).